The following is an entry in ClinVar:

ClinVar aggregate classification (germline): Pathogenic/Likely pathogenic. Review status: criteria provided, multiple submitters, no conflicts (2 of 4 stars). 2 submissions from 2 submitters: Pathogenic (1); Likely pathogenic (1). Last evaluated 2026-03-25.

Conditions:
Juvenile myelomonocytic leukemia (JMML). Also called: LEUKEMIA, JUVENILE MYELOMONOCYTIC, SOMATIC. Identifiers: Orphanet 86834, MedGen C0349639, MONDO:0011908, OMIM 607785, HP:0012209.

Submissions (2):

GeneDx
Classification: Pathogenic. Last evaluated: 2026-03-25. Review status: criteria provided, single submitter. Criteria: GeneDx Variant Classification Process June 2021. Collection method: clinical testing. Allele origin: germline.
Comment: Frameshift variant predicted to result in protein truncation or nonsense mediated decay in a gene for which loss of function is a known mechanism of disease; Not observed at significant frequency in large population cohorts (gnomAD); Has not been previously published as pathogenic or benign to our knowledge

Baylor Genetics
Classification: Likely pathogenic for Juvenile myelomonocytic leukemia. Last evaluated: 2021-07-14. Review status: criteria provided, single submitter. Criteria: ACMG Guidelines, 2015. Collection method: clinical testing. Allele origin: unknown.

NM_001042492.3(NF1):c.1997_1998del (p.Ser666fs)

Gene: NF1 (neurofibromin 1; plus strand). Cytogenetic location: 17q11.2.
Variant type: Microsatellite.
Coding change: c.1997_1998del on transcript NM_001042492.3 (MANE Select); coding-DNA positions 1997 to 1998, 2 bases deleted (CT; older notation c.1997_1998delCT).
Protein change: p.Ser666fs; shifts the reading frame from serine 666.
Molecular consequence: frameshift variant.
Genome position (GRCh38, 1-based): chr17:31,225,246-31,225,247, CT deleted; deleting any 2 consecutive bases within chr17:31,225,244-31,225,247 gives the same sequence; the c. name uses the placement nearest the transcript's 3' end. VCF-style (leftmost placement, unchanged base first): chr17-31225243-CCT-C. GRCh37 (hg19) VCF-style: chr17-29552261-CCT-C.
Other names: c.1995_1996CT[1], p.Ser666Tyrfs (NM_000267.4); short protein forms S666fs.
Identifiers: ClinVar variation 2677240 (VCV002677240.2), dbSNP rs2508143070, ClinGen allele CA2695201273.